The following is an entry in ClinVar:

ClinVar aggregate classification (germline): Benign/Likely benign. Review status: criteria provided, multiple submitters, no conflicts (2 of 4 stars). 3 submissions from 3 submitters: Benign (1); Likely benign (2). Last evaluated 2026-09-24.

Conditions:
Cardiovascular phenotype. Identifiers: MedGen CN230736.
Hereditary cancer-predisposing syndrome. Also called: Hereditary neoplastic syndrome; Neoplastic Syndromes, Hereditary; Tumor predisposition; Hereditary Cancer Syndrome. Identifiers: Orphanet 140162, MedGen C0027672, MeSH D009386, MONDO:0015356.
Neurofibromatosis, type 1 (NF1). Also called: Neurofibromatosis, type I; Peripheral type neurofibromatosis; VON RECKLINGHAUSEN DISEASE; NEUROFIBROMATOSIS, TYPE I, SOMATIC. Identifiers: Orphanet 636, MedGen C0027831, MONDO:0018975, OMIM 162200. Disease mechanism: loss of function.

Allele frequency attached by ClinVar (database versions not stated): gnomAD exomes below 0.00001; TOPMed 0.00001.
gnomAD v4.1: 1 of 1,612,008 alleles (0.000062%); highest among the groups gnomAD compares: African/African-American, 0.0013%; no homozygotes.

Submissions (3):

Myriad Genetics, Inc.
Classification: Benign for Neurofibromatosis, type 1. Last evaluated: 2026-09-24. Review status: criteria provided, single submitter. Criteria: Myriad Autosomal Dominant, Autosomal Recessive and X-Linked Classification Criteria (2023). Collection method: clinical testing. Allele origin: unknown.
Comment: This variant is considered benign. This variant is a silent/synonymous amino acid change and it is not expected to impact splicing.

Labcorp Genetics (formerly Invitae), Labcorp
Classification: Likely benign for Neurofibromatosis, type 1. Last evaluated: 2025-08-29. Review status: criteria provided, single submitter. Criteria: Invitae Variant Classification Sherloc (09022015). Collection method: clinical testing. Allele origin: germline.

Ambry Genetics
Classification: Likely benign for Cardiovascular phenotype; Hereditary cancer-predisposing syndrome. Last evaluated: 2021-05-20. Review status: criteria provided, single submitter. Criteria: Ambry Variant Classification Scheme 2023. Collection method: clinical testing. Allele origin: germline.

NM_001042492.3(NF1):c.2589T>C (p.Tyr863=)

Gene: NF1 (neurofibromin 1; plus strand). Cytogenetic location: 17q11.2.
Variant type: single nucleotide variant.
Coding change: c.2589T>C on transcript NM_001042492.3 (MANE Select); coding-DNA position 2589, T replaced by C.
Protein change: p.Tyr863=; no amino-acid change (tyrosine 863 retained).
Molecular consequence: synonymous variant.
Genome position (GRCh38, 1-based): chr17:31,229,204, T>C. VCF-style: chr17-31229204-T-C. GRCh37 (hg19) VCF-style: chr17-29556222-T-C.
Other names: c.2589T>C, p.Tyr863= (NM_000267.4).
Identifiers: ClinVar variation 700428 (VCV000700428.13), dbSNP rs587782814, ClinGen allele CA499444389.